The following is an entry in ClinVar:

ClinVar aggregate classification (germline): Uncertain significance. Review status: criteria provided, multiple submitters, no conflicts (2 of 4 stars). 3 submissions from 3 submitters: Uncertain significance (3). Last evaluated 2025-08-11.

Conditions:
Developmental and epileptic encephalopathy, 3 (DEE3). Also called: Epileptic encephalopathy, early infantile, 3. Identifiers: MedGen C5574665, MONDO:0012245, OMIM 609304.
Developmental and epileptic encephalopathy. Identifiers: MedGen C5779964, MONDO:0100620.
Inborn genetic diseases. Identifiers: MedGen C0950123, MeSH D030342.

Allele frequency attached by ClinVar (database versions not stated): gnomAD 0.00002 and 0.00003; TOPMed 0.00003; gnomAD exomes 0.00005 and 0.00010; ExAC 0.00009; 1000 Genomes Project 30x 0.00016.
gnomAD v4.1: 73 of 1,613,596 alleles (0.0045%); highest among the groups gnomAD compares: South Asian, 0.07%; no homozygotes.

Submissions (3):

Ambry Genetics
Classification: Uncertain significance for Inborn genetic diseases. Last evaluated: 2025-08-11. Review status: criteria provided, single submitter. Criteria: Ambry Variant Classification Scheme 2023. Collection method: clinical testing. Allele origin: germline.

Labcorp Genetics (formerly Invitae), Labcorp
Classification: Uncertain significance for Early-infantile DEE. Last evaluated: 2022-09-13. Review status: criteria provided, single submitter. Criteria: Invitae Variant Classification Sherloc (09022015). Collection method: clinical testing. Allele origin: germline.
Comment: This sequence change replaces glutamine, which is neutral and polar, with histidine, which is basic and polar, at codon 93 of the SLC25A22 protein (p.Gln93His). This variant is present in population databases (rs769730725, gnomAD 0.08%). This variant has not been reported in the literature in individuals affected with SLC25A22-related conditions. ClinVar contains an entry for this variant (Variation ID: 952810). Advanced modeling of protein sequence and biophysical properties (such as structural, functional, and spatial information, amino acid conservation, physicochemical variation, residue mobility, and thermodynamic stability) performed at Invitae indicates that this missense variant is not expected to disrupt SLC25A22 protein function. In summary, the available evidence is currently insufficient to determine the role of this variant in disease. Therefore, it has been classified as a Variant of Uncertain Significance.

Revvity Omics, Revvity
Classification: Uncertain significance for Developmental and epileptic encephalopathy, 3. Last evaluated: 2019-02-15. Review status: criteria provided, single submitter. Criteria: ACMG Guidelines, 2015. Collection method: clinical testing. Allele origin: germline.

NM_001191061.2(SLC25A22):c.279G>C (p.Gln93His)

Gene: SLC25A22 (solute carrier family 25 member 22; minus strand). Cytogenetic location: 11p15.5.
Variant type: single nucleotide variant.
Coding change: c.279G>C on transcript NM_001191061.2 (MANE Select); coding-DNA position 279, G replaced by C.
Protein change: p.Gln93His; replaces glutamine 93 with histidine.
Molecular consequence: missense variant.
Genome position (GRCh38, 1-based): chr11:793,543, C>G on the plus strand (G>C on the coding strand, the complement: SLC25A22 is on the minus strand). VCF-style: chr11-793543-C-G. GRCh37 (hg19) VCF-style: chr11-793543-C-G.
Other names: c.279G>C, p.Gln93His (NM_001191060.2, NM_024698.6); short protein forms Q93H.
Identifiers: ClinVar variation 952810 (VCV000952810.11), dbSNP rs769730725, ClinGen allele CA5789268.